The following is an entry in ClinVar:

NM_003242.6(TGFBR2):c.1137C>T (p.Asp379=)

Gene: TGFBR2 (transforming growth factor beta receptor 2; plus strand). Cytogenetic location: 3p24.1.
Variant type: single nucleotide variant.
Coding change: c.1137C>T on transcript NM_003242.6 (MANE Select); coding-DNA position 1137, C replaced by T.
Protein change: p.Asp379=; no amino-acid change (aspartic acid 379 retained).
Molecular consequence: synonymous variant. On other transcripts: intron variant (1).
Genome position (GRCh38, 1-based): chr3:30,672,320, C>T. VCF-style: chr3-30672320-C-T. GRCh37 (hg19) VCF-style: chr3-30713812-C-T.
Other names: c.1212C>T, p.Asp404= (NM_001024847.3); c.1320C>T, p.Asp440= (NM_001407126.1); c.1245C>T, p.Asp415= (NM_001407127.1); c.1164C>T, p.Asp388= (NM_001407128.1); c.1140C>T, p.Asp380= (NM_001407129.1); c.1137C>T, p.Asp379= (NM_001407130.1); c.1032C>T, p.Asp344= (NM_001407132.1, NM_001407133.1, NM_001407134.1 and 2 more transcripts); c.852C>T, p.Asp284= (NM_001407137.1); and 2 more.
Identifiers: ClinVar variation 920178 (VCV000920178.6), dbSNP rs1411787654, ClinGen allele CA432917598.
Genomic context (GRCh38, chr3:30,672,320, plus strand): 5'-TCACCTCCACAGTGATCACACTCCATGTGGGAGGCCCAAGATGCCCATCGTGCACAGGGA[C>T]CTCAAGAGCTCCAATATCCTCGTGAAGAACGACCTAACCTGCTGCCTGTGTGACTTTGGG-3'
Protein context (NP_003233.4, residues 369-389): GRPKMPIVHR[Asp379=]LKSSNILVKN

ClinVar aggregate classification (germline): Likely benign. Review status: criteria provided, multiple submitters, no conflicts (2 of 4 stars). 3 submissions from 3 submitters: Likely benign (3). Last evaluated 2023-06-28.

Conditions:
Familial thoracic aortic aneurysm and aortic dissection (TAAD). Also called: Thoracic aortic aneurysms and dissections. Identifiers: Orphanet 91387, MedGen C4707243, MONDO:0019625.
Loeys-Dietz syndrome 2 (LDS2). Also called: TGFBR2-Related Loeys-Dietz Syndrome; AORTIC ANEURYSM, FAMILIAL THORACIC 3; MARFAN SYNDROME, TYPE II; Marfan Syndrome type 2; Marfan like connective tissue disorder; MFS 2. Identifiers: Orphanet 284973, Orphanet 558, MedGen C2674574, MONDO:0012427, OMIM 610168.

Allele frequency attached by ClinVar (database versions not stated): gnomAD exomes below 0.00001.
gnomAD v4.1: 6 of 1,612,264 alleles (0.00037%); highest among the groups gnomAD compares: Admixed American, 0.0017%; no homozygotes.

Submissions (3):

All of Us Research Program, National Institutes of Health
Classification: Likely benign for Loeys-Dietz syndrome 2. Last evaluated: 2023-06-28. Review status: criteria provided, single submitter. Criteria: ACMG Guidelines, 2015. Collection method: clinical testing. Allele origin: germline. Inheritance: Autosomal dominant inheritance. Observed: 2 variant alleles, 2 heterozygotes.
Comment: This study involves interpretation of variants in research participants for the purpose of population health screening. Participant phenotype was not available at the time of variant classification. Additional details can be found in publication PMID: 35346344, PMCID: PMC8962531

Ambry Genetics
Classification: Likely benign for Familial thoracic aortic aneurysm and aortic dissection. Last evaluated: 2023-02-16. Review status: criteria provided, single submitter. Criteria: Ambry Variant Classification Scheme 2023. Collection method: clinical testing. Allele origin: germline.

Color Diagnostics, LLC DBA Color Health
Classification: Likely benign for Familial thoracic aortic aneurysm and aortic dissection. Last evaluated: 2019-12-16. Review status: criteria provided, single submitter. Criteria: ACMG Guidelines, 2015. Collection method: clinical testing. Allele origin: germline.